The following is an entry in ClinVar:

ClinVar aggregate classification (germline): Uncertain significance (1 of 4 stars; one submission).

Conditions:
Autosomal recessive limb-girdle muscular dystrophy type R18 (LGMDR18). Also called: MUSCULAR DYSTROPHY, LIMB-GIRDLE, AUTOSOMAL RECESSIVE 18; Limb-girdle muscular dystrophy, type 2S; Autosomal recessive limb-girdle muscular dystrophy type 2S. Identifiers: Orphanet 369840, MedGen C4517996, MONDO:0014144, OMIM 615356.

Allele frequency attached by ClinVar (database versions not stated): ExAC 0.00001; gnomAD exomes 0.00001 and 0.00002.
gnomAD v4.1: 13 of 1,609,474 alleles (0.00081%); highest among the groups gnomAD compares: South Asian, 0.014%; no homozygotes.

Submission:

Labcorp Genetics (formerly Invitae), Labcorp
Classification: Uncertain significance for Autosomal recessive limb-girdle muscular dystrophy type R18. Last evaluated: 2024-11-04. Review status: criteria provided, single submitter. Criteria: Invitae Variant Classification Sherloc (09022015). Collection method: clinical testing. Allele origin: germline.
Comment: This sequence change replaces isoleucine, which is neutral and non-polar, with threonine, which is neutral and polar, at codon 984 of the TRAPPC11 protein (p.Ile984Thr). This variant is present in population databases (rs756061183, gnomAD 0.01%). This variant has not been reported in the literature in individuals affected with TRAPPC11-related conditions. ClinVar contains an entry for this variant (Variation ID: 952856). Invitae Evidence Modeling of protein sequence and biophysical properties (such as structural, functional, and spatial information, amino acid conservation, physicochemical variation, residue mobility, and thermodynamic stability) indicates that this missense variant is expected to disrupt TRAPPC11 protein function with a positive predictive value of 80%. In summary, the available evidence is currently insufficient to determine the role of this variant in disease. Therefore, it has been classified as a Variant of Uncertain Significance.

NM_021942.6(TRAPPC11):c.2951T>C (p.Ile984Thr)

Gene: TRAPPC11 (trafficking protein particle complex subunit 11; plus strand). Cytogenetic location: 4q35.1.
Variant type: single nucleotide variant.
Coding change: c.2951T>C on transcript NM_021942.6 (MANE Select); coding-DNA position 2951, T replaced by C.
Protein change: p.Ile984Thr; replaces isoleucine 984 with threonine.
Molecular consequence: missense variant.
Genome position (GRCh38, 1-based): chr4:183,701,796, T>C. VCF-style: chr4-183701796-T-C. GRCh37 (hg19) VCF-style: chr4-184622949-T-C.
Other names: c.2951T>C, p.Ile984Thr (NM_199053.3); short protein forms I984T.
Identifiers: ClinVar variation 952856 (VCV000952856.10), dbSNP rs756061183, ClinGen allele CA3152386.
Genomic context (GRCh38, chr4:183,701,796, plus strand): 5'-GTCTTCAATGCCCATCTCTTGGAAATATTGAAGGTGGAGTAGCAACCGGGCATTATATTA[T>C]CTCTTGGAAAAGGTAAGAATTATGTCAATCCTGTCTTTTCTTCAATGTCTCTGTTATTCT-3'
Protein context (NP_068761.4, residues 974-994): EGGVATGHYI[Ile984Thr]SWKRTSAMEN